The following is an entry in ClinVar:

ClinVar aggregate classification (germline): Uncertain significance (1 of 4 stars; one submission).

gnomAD v4.1: 10 of 1,613,908 alleles (0.00062%); highest among the groups gnomAD compares: Non-Finnish European, 0.00068%; no homozygotes.

Submission:

Labcorp Genetics (formerly Invitae), Labcorp
Classification: Uncertain significance. Last evaluated: 2022-08-16. Review status: criteria provided, single submitter. Criteria: Invitae Variant Classification Sherloc (09022015). Collection method: clinical testing. Allele origin: germline.
Comment: This sequence change replaces alanine, which is neutral and non-polar, with serine, which is neutral and polar, at codon 306 of the VPS33A protein (p.Ala306Ser). This variant is not present in population databases (gnomAD no frequency). This variant has not been reported in the literature in individuals affected with VPS33A-related conditions. Algorithms developed to predict the effect of missense changes on protein structure and function (SIFT, PolyPhen-2, Align-GVGD) all suggest that this variant is likely to be tolerated. In summary, the available evidence is currently insufficient to determine the role of this variant in disease. Therefore, it has been classified as a Variant of Uncertain Significance.

NM_022916.6(VPS33A):c.916G>T (p.Ala306Ser)

Gene: VPS33A (VPS33A core subunit of CORVET and HOPS complexes; minus strand). Cytogenetic location: 12q24.31.
Variant type: single nucleotide variant.
Coding change: c.916G>T on transcript NM_022916.6 (MANE Select); coding-DNA position 916, G replaced by T.
Protein change: p.Ala306Ser; replaces alanine 306 with serine.
Molecular consequence: missense variant. On other transcripts: intron variant (1).
Genome position (GRCh38, 1-based): chr12:122,244,622, C>A on the plus strand (G>T on the coding strand, the complement: VPS33A is on the minus strand). VCF-style: chr12-122244622-C-A. GRCh37 (hg19) VCF-style: chr12-122729169-C-A.
Other names: c.883G>T, p.Ala295Ser (NM_001351018.2); c.868G>T, p.Ala290Ser (NM_001351019.2); c.776-4677G>T (NM_001351020.2); short protein forms A306S, A295S, A290S.
Identifiers: ClinVar variation 1959015 (VCV001959015.5), dbSNP rs756582745, ClinGen allele CA387054366.